The following is an entry in ClinVar:

ClinVar aggregate classification (germline): Uncertain significance. Review status: criteria provided, multiple submitters, no conflicts (2 of 4 stars). 2 submissions from 2 submitters: Uncertain significance (2). Last evaluated 2024-07-31.

Conditions:
Inborn genetic diseases. Identifiers: MedGen C0950123, MeSH D030342.

Allele frequency attached by ClinVar (database versions not stated): ExAC 0.00002.
gnomAD v4.1: 13 of 1,610,276 alleles (0.00081%); highest among the groups gnomAD compares: African/African-American, 0.011%; no homozygotes.

Submissions (2):

Labcorp Genetics (formerly Invitae), Labcorp
Classification: Uncertain significance. Last evaluated: 2024-07-31. Review status: criteria provided, single submitter. Criteria: Invitae Variant Classification Sherloc (09022015). Collection method: clinical testing. Allele origin: germline.
Comment: This sequence change replaces alanine, which is neutral and non-polar, with threonine, which is neutral and polar, at codon 625 of the AP3D1 protein (p.Ala625Thr). This variant is present in population databases (rs778906967, gnomAD 0.02%). This variant has not been reported in the literature in individuals affected with AP3D1-related conditions. ClinVar contains an entry for this variant (Variation ID: 1416258). An algorithm developed to predict the effect of missense changes on protein structure and function (PolyPhen-2) suggests that this variant is likely to be tolerated. In summary, the available evidence is currently insufficient to determine the role of this variant in disease. Therefore, it has been classified as a Variant of Uncertain Significance.

Ambry Genetics
Classification: Uncertain significance for Inborn genetic diseases. Last evaluated: 2024-04-08. Review status: criteria provided, single submitter. Criteria: Ambry Variant Classification Scheme 2023. Collection method: clinical testing. Allele origin: germline.

NM_001261826.3(AP3D1):c.1873G>A (p.Ala625Thr)

Gene: AP3D1 (adaptor related protein complex 3 subunit delta 1; minus strand). Cytogenetic location: 19p13.3.
Variant type: single nucleotide variant.
Coding change: c.1873G>A on transcript NM_001261826.3 (MANE Select); coding-DNA position 1873, G replaced by A.
Protein change: p.Ala625Thr; replaces alanine 625 with threonine.
Molecular consequence: missense variant.
Genome position (GRCh38, 1-based): chr19:2,116,733, C>T on the plus strand (G>A on the coding strand, the complement: AP3D1 is on the minus strand). VCF-style: chr19-2116733-C-T. GRCh37 (hg19) VCF-style: chr19-2116732-C-T.
Other names: c.1873G>A, p.Ala625Thr (NM_001374799.1, NM_003938.8); c.1873G>A (NM_003938.5); short protein forms A625T.
Identifiers: ClinVar variation 1416258 (VCV001416258.7), dbSNP rs778906967, ClinGen allele CA9059141.
Genomic context (GRCh38, chr19:2,116,733, plus strand): 5'-AGACGGCCCTGGGCCTCTCGTCCTCTGACTCGCTGTCCGAGAGTGGCTCATTGATCCAGG[C>T]GTCCAGGTCCAGGCTGCACCGGACAGGAGGGCCACACAAGGCAGTGTGTGACCGAGCACG-3'
Protein context (NP_001248755.1, residues 615-635): VPVPEGLDLD[Ala625Thr]WINEPLSDSE